The following is an entry in ClinVar:

ClinVar aggregate classification (germline): Uncertain significance (1 of 4 stars; one submission).

Conditions:
Marfan syndrome (MFS). Also called: MARFAN SYNDROME, TYPE I; Marfan syndrome type 1; Marfan's syndrome; Marfan syndrome, classic; FBN1-Related Marfan Syndrome. Identifiers: Orphanet 284963, Orphanet 558, MedGen C0024796, MONDO:0007947, OMIM 154700.

Submission:

All of Us Research Program, National Institutes of Health
Classification: Uncertain significance for Marfan syndrome. Last evaluated: 2023-06-26. Review status: criteria provided, single submitter. Criteria: ACMG Guidelines, 2015. Collection method: clinical testing. Allele origin: germline. Inheritance: Autosomal dominant inheritance. Observed: 1 variant allele, 1 heterozygote.
Comment: This missense variant replaces glutamic acid with lysine at codon 2417 of the FBN1 protein. Computational prediction suggests that this variant may not impact protein structure and function (internally defined REVEL score threshold <= 0.5, PMID: 27666373). To our knowledge, functional studies have not been reported for this variant. This variant has not been reported in individuals affected with FBN1-related disorders in the literature. This variant has not been identified in the general population by the Genome Aggregation Database (gnomAD). The available evidence is insufficient to determine the role of this variant in disease conclusively. Therefore, this variant is classified as a Variant of Uncertain Significance.

This study involves interpretation of variants in research participants for the purpose of population health screening. Participant phenotype was not available at the time of variant classification. Additional details can be found in publication PMID: 35346344, PMCID: PMC8962531

NM_000138.5(FBN1):c.7249G>A (p.Glu2417Lys)

Gene: FBN1 (fibrillin 1; minus strand). Cytogenetic location: 15q21.1.
Variant type: single nucleotide variant.
Coding change: c.7249G>A on transcript NM_000138.5 (MANE Select); coding-DNA position 7249, G replaced by A.
Protein change: p.Glu2417Lys; replaces glutamic acid 2417 with lysine.
Molecular consequence: missense variant.
Genome position (GRCh38, 1-based): chr15:48,425,820, C>T on the plus strand (G>A on the coding strand, the complement: FBN1 is on the minus strand). VCF-style: chr15-48425820-C-T. GRCh37 (hg19) VCF-style: chr15-48718017-C-T.
Other names: c.7249G>A, p.Glu2417Lys (NM_001406716.1); short protein forms E2417K.
Identifiers: ClinVar variation 3072157 (VCV003072157.1), dbSNP rs2042974889, ClinGen allele CA392328759.